The following is an entry in ClinVar:

ClinVar aggregate classification (germline): Likely benign. Review status: criteria provided, multiple submitters, no conflicts (2 of 4 stars). 2 submissions from 2 submitters: Likely benign (2). Last evaluated 2026-09-21.

Conditions:
Marfan syndrome (MFS). Also called: MARFAN SYNDROME, TYPE I; Marfan syndrome type 1; Marfan's syndrome; Marfan syndrome, classic; FBN1-Related Marfan Syndrome. Identifiers: Orphanet 284963, Orphanet 558, MedGen C0024796, MONDO:0007947, OMIM 154700.

Submissions (2):

Molecular Diagnostic Laboratory for Inherited Cardiovascular Disease, Montreal Heart Institute
Classification: Likely benign. Last evaluated: 2026-09-21. Review status: criteria provided, single submitter. Criteria: ACMG Guidelines, 2015. Collection method: clinical testing. Allele origin: germline. Affected: no.

All of Us Research Program, National Institutes of Health
Classification: Likely benign for Marfan syndrome. Last evaluated: 2023-04-24. Review status: criteria provided, single submitter. Criteria: ACMG Guidelines, 2015. Collection method: clinical testing. Allele origin: germline. Inheritance: Autosomal dominant inheritance. Observed: 1 variant allele, 1 heterozygote.
Comment: This study involves interpretation of variants in research participants for the purpose of population health screening. Participant phenotype was not available at the time of variant classification. Additional details can be found in publication PMID: 35346344, PMCID: PMC8962531

NM_000138.5(FBN1):c.3464-8C>T

Gene: FBN1 (fibrillin 1; minus strand). Cytogenetic location: 15q21.1.
Variant type: single nucleotide variant.
Coding change: c.3464-8C>T on transcript NM_000138.5 (MANE Select); 8 bases into the intron before coding-DNA position 3464, C replaced by T.
Molecular consequence: intron variant.
Genome position (GRCh38, 1-based): chr15:48,487,208, G>A on the plus strand (C>T on the coding strand, the complement: FBN1 is on the minus strand). VCF-style: chr15-48487208-G-A. GRCh37 (hg19) VCF-style: chr15-48779405-G-A.
Other names: c.3464-8C>T (NM_001406716.1, NM_000138.4).
Identifiers: ClinVar variation 3070512 (VCV003070512.2), dbSNP rs2505549686, ClinGen allele CA2825002281.